The following is an entry in ClinVar:

ClinVar aggregate classification (germline): Pathogenic/Likely pathogenic. Review status: criteria provided, multiple submitters, no conflicts (2 of 4 stars). 6 submissions from 6 submitters: Pathogenic (1); Likely pathogenic (5). Last evaluated 2025-08-21.

Conditions:
Fanconi anemia complementation group L (FANCL). Also called: FANCL-Related Fanconi Anemia. Identifiers: Orphanet 84, MedGen C3469528, MONDO:0013566, OMIM 614083.
Fanconi anemia (FA). Also called: Fanconi's anemia. Identifiers: Orphanet 84, MedGen C0015625, MeSH D005199, MONDO:0019391.
FANCL-related disorders.

Allele frequency attached by ClinVar (database versions not stated): gnomAD exomes 0.00002; TOPMed 0.00002; ExAC 0.00003; gnomAD 0.00004.
gnomAD v4.1: 93 of 1,612,758 alleles (0.0058%); highest among the groups gnomAD compares: Non-Finnish European, 0.0075%; no homozygotes.

Submissions (6):

Labcorp Genetics (formerly Invitae), Labcorp
Classification: Likely pathogenic for Fanconi anemia. Last evaluated: 2025-08-21. Review status: criteria provided, single submitter. Criteria: Invitae Variant Classification Sherloc (09022015). Collection method: clinical testing. Allele origin: germline.
Comment: This sequence change affects an acceptor splice site in intron 6 of the FANCL gene. It is expected to disrupt RNA splicing. Variants that disrupt the donor or acceptor splice site typically lead to a loss of protein function (PMID: 16199547), and loss-of-function variants in FANCL are known to be pathogenic (PMID: 19405097, 23613520). This variant is present in population databases (rs768814501, gnomAD 0.005%). This variant has not been reported in the literature in individuals affected with FANCL-related conditions. ClinVar contains an entry for this variant (Variation ID: 1066864). Algorithms developed to predict the effect of sequence changes on RNA splicing suggest that this variant may disrupt the consensus splice site. In summary, the currently available evidence indicates that the variant is pathogenic, but additional data are needed to prove that conclusively. Therefore, this variant has been classified as Likely Pathogenic.

Victorian Clinical Genetics Services, Murdoch Childrens Research Institute
Classification: Likely pathogenic for Fanconi anemia complementation group L. Last evaluated: 2024-10-09. Review status: criteria provided, single submitter. Criteria: ACMG Guidelines, 2015. Collection method: clinical testing. Allele origin: germline. Inheritance: Autosomal recessive inheritance. Affected: yes.
Comment: Based on the classification scheme VCGS_Germline_v1.3.4, this variant is classified as Likely pathogenic. Following criteria are met: 0102 - Loss of function is a known mechanism of disease in this gene and is associated with Fanconi anaemia, complementation group L (MIM#614083). (I) 0106 - This gene is associated with autosomal recessive disease. (I) 0115 - Variants in this gene are known to have variable expressivity (OMIM, PMID: 31513304). (I) 0211 - Canonical splice site variant without proven consequence on splicing (no functional evidence available). (SP) 0251 - This variant is heterozygous. (I) 0304 - Variant is present in gnomAD <0.01 for a recessive condition (v3: 6 heterozygotes, 0 homozygotes). (SP) 0505 - Abnormal splicing is predicted by in silico tools and affected nucleotide is highly conserved. (SP) 0705 - No comparable splice site variants have previous evidence for pathogenicity. (I) 0802 - This variant has moderate previous evidence of pathogenicity in unrelated individuals. It has been classified as likely pathogenic by diagnostic laboratories in ClinVar. Additionally. it was identified as a germline variant in a bladder urothelial carcinoma sample in The Cancer Genome Atlas (TCGA) cohort. However, patient-specific information was not provided (PMID: 29625052). (SP) 0905 - No published segregation evidence has been identified for this variant. (I) 1007 - No published functional evidence has been identified for this variant. (I) 1208 - Inheritance information for this variant is not currently available in this individual. (I) Legend: (SP) - Supporting pathogenic, (I) - Information, (SB) - Supporting benign

Fulgent Genetics
Classification: Pathogenic for Fanconi anemia complementation group L. Last evaluated: 2024-04-19. Review status: criteria provided, single submitter. Criteria: ACMG Guidelines, 2015. Collection method: clinical testing. Allele origin: germline.

Baylor Genetics
Classification: Likely pathogenic for Fanconi anemia complementation group L. Last evaluated: 2024-03-07. Review status: criteria provided, single submitter. Criteria: ACMG Guidelines, 2015. Collection method: clinical testing. Allele origin: unknown.

Blueprint Genetics
Classification: Likely pathogenic for FANCL-related disorders. Last evaluated: 2022-07-17. Review status: criteria provided, single submitter. Criteria: ACMG Guidelines, 2015. Collection method: clinical testing. Allele origin: germline. Affected: yes. Observed: 1 variant allele.

Genetic Services Laboratory, University of Chicago
Classification: Likely pathogenic. Last evaluated: 2022-01-25. Review status: criteria provided, single submitter. Criteria: ACMG Guidelines, 2015. Collection method: clinical testing. Allele origin: germline.

Literature cited by the submitters: PubMed 16199547 (cited by Labcorp Genetics (formerly Invitae), Labcorp); PubMed 19405097 (cited by Labcorp Genetics (formerly Invitae), Labcorp); PubMed 23613520 (cited by Labcorp Genetics (formerly Invitae), Labcorp); PubMed 29625052 (cited by Victorian Clinical Genetics Services, Murdoch Childrens Research Institute); PubMed 31513304 (cited by Victorian Clinical Genetics Services, Murdoch Childrens Research Institute).

NM_018062.4(FANCL):c.472-1G>C

Gene: FANCL (FA complementation group L; minus strand). Cytogenetic location: 2p16.1.
Variant type: single nucleotide variant.
Coding change: c.472-1G>C on transcript NM_018062.4 (MANE Select); the canonical splice acceptor site of the intron before coding-DNA position 472, G replaced by C.
Molecular consequence: splice acceptor variant.
Genome position (GRCh38, 1-based): chr2:58,198,663, C>G on the plus strand (G>C on the coding strand, the complement: FANCL is on the minus strand). VCF-style: chr2-58198663-C-G. GRCh37 (hg19) VCF-style: chr2-58425798-C-G.
Other names: c.472-1G>C (NM_001374615.1, NM_001114636.2, NM_001410792.1).
Identifiers: ClinVar variation 1066864 (VCV001066864.18), dbSNP rs768814501, ClinGen allele CA1670599.